The following is an entry in ClinVar:

ClinVar aggregate classification (germline): Uncertain significance (1 of 4 stars; one submission).

gnomAD v4.1: 1 of 1,613,606 alleles (0.000062%); highest among the groups gnomAD compares: Non-Finnish European, 0.000085%; no homozygotes.

Submission:

GeneDx
Classification: Uncertain significance. Last evaluated: 2023-12-07. Review status: criteria provided, single submitter. Criteria: GeneDx Variant Classification Process June 2021. Collection method: clinical testing. Allele origin: germline. Affected: yes.
Comment: Not observed at significant frequency in large population cohorts (gnomAD); In silico analysis supports a deleterious effect on splicing; In silico analysis supports that this missense variant has a deleterious effect on protein structure/function; Has not been previously published as pathogenic or benign to our knowledge

NM_015557.3(CHD5):c.3302G>A (p.Arg1101Gln)

Gene: CHD5 (chromodomain helicase DNA binding protein 5; minus strand). Cytogenetic location: 1p36.31.
Variant type: single nucleotide variant.
Coding change: c.3302G>A on transcript NM_015557.3 (MANE Select); coding-DNA position 3302, G replaced by A.
Protein change: p.Arg1101Gln; replaces arginine 1101 with glutamine.
Molecular consequence: missense variant.
Genome position (GRCh38, 1-based): chr1:6,130,289, C>T on the plus strand (G>A on the coding strand, the complement: CHD5 is on the minus strand). VCF-style: chr1-6130289-C-T. GRCh37 (hg19) VCF-style: chr1-6190349-C-T.
Other names: short protein forms R1101Q.
Identifiers: ClinVar variation 3252332 (VCV003252332.1), dbSNP rs1159184117.